The following is an entry in ClinVar:

NM_003239.5(TGFB3):c.583_584dup (p.Thr196fs)

Gene: TGFB3 (transforming growth factor beta 3; minus strand). Cytogenetic location: 14q24.3.
Variant type: Duplication.
Coding change: c.583_584dup on transcript NM_003239.5 (MANE Select); coding-DNA positions 583 to 584, 2 bases duplicated (GG; older notation c.583_584dupGG).
Protein change: p.Thr196fs; shifts the reading frame from threonine 196.
Molecular consequence: frameshift variant.
Genome position (GRCh38, 1-based): chr14:75,971,188-75,971,189, CC duplicated on the plus strand (GG on the coding strand, the reverse complement: TGFB3 is on the minus strand); duplicating any 2 consecutive bases within chr14:75,971,188-75,971,191 gives the same sequence; the c. name uses the placement nearest the transcript's 3' end. VCF-style (leftmost placement, unchanged base first): chr14-75971187-G-GCC. GRCh37 (hg19) VCF-style: chr14-76437530-G-GCC.
Other names: c.583_584dup, p.Thr196fs (NM_001329938.2, NM_001329939.2); short protein forms T196fs.
Identifiers: ClinVar variation 3644729 (VCV003644729.2).

ClinVar aggregate classification (germline): Pathogenic (1 of 4 stars; one submission).

Conditions:
Rienhoff syndrome. Also called: LOEYS-DIETZ SYNDROME 5. Identifiers: MedGen C3810012, MONDO:0014262, OMIM 615582.

Submission:

Labcorp Genetics (formerly Invitae), Labcorp
Classification: Pathogenic for Rienhoff syndrome. Last evaluated: 2024-05-01. Review status: criteria provided, single submitter. Criteria: Invitae Variant Classification Sherloc (09022015). Collection method: clinical testing. Allele origin: germline.
Comment: This sequence change creates a premature translational stop signal (p.Thr196Alafs*19) in the TGFB3 gene. It is expected to result in an absent or disrupted protein product. Loss-of-function variants in TGFB3 are known to be pathogenic (PMID: 25835445, 26188975). This variant is not present in population databases (gnomAD no frequency). This variant has not been reported in the literature in individuals affected with TGFB3-related conditions. For these reasons, this variant has been classified as Pathogenic.

Literature cited by the submitters: PubMed 25835445; PubMed 26188975.